The following is an entry in ClinVar:

NM_003742.4(ABCB11):c.2708T>G (p.Val903Gly)

Genes: ABCB11 (ATP binding cassette subfamily B member 11; minus strand), LOC126806400 (CDK7 strongly-dependent group 2 enhancer GRCh37_chr2:169791870-169793069; plus strand). Cytogenetic location: 2q31.1.
Variant type: single nucleotide variant.
Coding change: c.2708T>G on transcript NM_003742.4 (MANE Select); coding-DNA position 2708, T replaced by G.
Protein change: p.Val903Gly; replaces valine 903 with glycine.
Molecular consequence: missense variant.
Genome position (GRCh38, 1-based): chr2:168,936,336, A>C on the plus strand (T>G on the coding strand, the complement: ABCB11 is on the minus strand). VCF-style: chr2-168936336-A-C. GRCh37 (hg19) VCF-style: chr2-169792846-A-C.
Other names: short protein forms V903G.
Identifiers: ClinVar variation 4846215 (VCV004846215.1).

ClinVar aggregate classification (germline): Uncertain significance (1 of 4 stars; one submission).

Conditions:
Familial intrahepatic cholestasis. Identifiers: Orphanet 284385, MedGen CN296401, MONDO:0017290.

Submission:

Genomenon, Inc
Classification: Uncertain significance for Familial intrahepatic cholestasis. Last evaluated: 2026-04-14. Review status: criteria provided, single submitter. Criteria: Genomenon Sequence Variant Interpretation Standards - Updated. Collection method: curation. Allele origin: germline. Affected: yes.
Comment: ABCB11 p.Val903Gly (c.2708T>G) is a missense variant that changes the amino acid at residue 903 from Valine to Glycine. This variant has been observed in at least one proband with an ABCB11-related disorder (PMID:34828443). It is absent or not present at a significant frequency in gnomAD. In silico models predict that this variant is possibly or probably damaging. In conclusion, we classify ABCB11 p.Val903Gly (c.2708T>G) as a variant of uncertain significance.

Literature cited by the submitters: PubMed 34828443.